The following is an entry in ClinVar:

NM_020919.4(ALS2):c.1082_1083del (p.Asp360_Ser361insTer)

Gene: ALS2 (alsin Rho guanine nucleotide exchange factor ALS2; minus strand). Cytogenetic location: 2q33.1.
Variant type: Deletion.
Coding change: c.1082_1083del on transcript NM_020919.4 (MANE Select); coding-DNA positions 1082 to 1083, 2 bases deleted (CA; older notation c.1082_1083delCA).
Protein change: p.Asp360_Ser361insTer.
Molecular consequence: nonsense.
Genome position (GRCh38, 1-based): chr2:201,760,911-201,760,912, TG deleted on the plus strand (CA on the coding strand, the reverse complement: ALS2 is on the minus strand). VCF-style (leftmost placement, unchanged base first): chr2-201760910-CTG-C. GRCh37 (hg19) VCF-style: chr2-202625633-CTG-C.
Other names: c.1082_1083del, p.Asp360_Ser361insTer (NM_001135745.2, NM_001410975.1).
Identifiers: ClinVar variation 4717401 (VCV004717401.1).

ClinVar aggregate classification (germline): Pathogenic (1 of 4 stars; one submission).

Conditions:
Infantile-onset ascending hereditary spastic paralysis (IAHSP). Also called: Autosomal Recessive Juvenile Amyotrophic Lateral Sclerosis; Infantile-Onset Ascending Hereditary Spastic Paralysis (IAHSP). Identifiers: Orphanet 293168, MedGen C2931441, MONDO:0011797, OMIM 607225. Disease mechanism: loss of function.

Submission:

Labcorp Genetics (formerly Invitae), Labcorp
Classification: Pathogenic for Infantile-onset ascending hereditary spastic paralysis. Last evaluated: 2025-04-13. Review status: criteria provided, single submitter. Criteria: Invitae Variant Classification Sherloc (09022015). Collection method: clinical testing. Allele origin: germline.
Comment: This sequence change creates a premature translational stop signal (p.Ser361*) in the ALS2 gene. It is expected to result in an absent or disrupted protein product. Loss-of-function variants in ALS2 are known to be pathogenic (PMID: 11586298, 24315819). This variant is not present in population databases (gnomAD no frequency). This variant has not been reported in the literature in individuals affected with ALS2-related conditions. For these reasons, this variant has been classified as Pathogenic.

Literature cited by the submitters: PubMed 11586298; PubMed 24315819.